The following is an entry in ClinVar:

ClinVar aggregate classification (germline): Pathogenic/Likely pathogenic. Review status: criteria provided, multiple submitters, no conflicts (2 of 4 stars). 5 submissions from 5 submitters: Pathogenic (4); Likely pathogenic (1). Last evaluated 2025-08-22.

Conditions:
Neurofibromatosis, type 1 (NF1). Also called: Neurofibromatosis, type I; NEUROFIBROMATOSIS, TYPE I, SOMATIC; Peripheral type neurofibromatosis; VON RECKLINGHAUSEN DISEASE. Identifiers: Orphanet 636, MedGen C0027831, MONDO:0018975, OMIM 162200. Disease mechanism: loss of function.
Hereditary cancer-predisposing syndrome. Also called: Hereditary neoplastic syndrome; Tumor predisposition; Neoplastic Syndromes, Hereditary; Hereditary Cancer Syndrome. Identifiers: Orphanet 140162, MedGen C0027672, MeSH D009386, MONDO:0015356.

Submissions (5):

GeneDx
Classification: Pathogenic. Last evaluated: 2025-08-22. Review status: criteria provided, single submitter. Criteria: GeneDx Variant Classification Process June 2021. Collection method: clinical testing. Allele origin: germline. Affected: yes.
Comment: Canonical splice site variant expected to result in aberrant splicing leading to an in-frame deletion of the adjacent exon; Not observed at significant frequency in large population cohorts (gnomAD); Has not been previously published as pathogenic or benign to our knowledge; Deletions involving coding exons of this gene are a known mechanism of disease (HGMD); This variant is associated with the following publications: (PMID: 25525159, 10712197, 17311297, 23913538, 11431704)

Labcorp Genetics (formerly Invitae), Labcorp
Classification: Pathogenic for Neurofibromatosis, type 1. Last evaluated: 2024-08-19. Review status: criteria provided, single submitter. Criteria: Invitae Variant Classification Sherloc (09022015). Collection method: clinical testing. Allele origin: germline.
Comment: This sequence change affects a donor splice site in intron 28 of the NF1 gene. It is expected to disrupt RNA splicing. Variants that disrupt the donor or acceptor splice site typically lead to a loss of protein function (PMID: 16199547), and loss-of-function variants in NF1 are known to be pathogenic (PMID: 10712197, 23913538). This variant is not present in population databases (gnomAD no frequency). Disruption of this splice site has been observed in individual(s) with neurofibromatosis type 1 (PMID: 11115850, 11431704). ClinVar contains an entry for this variant (Variation ID: 428951). Algorithms developed to predict the effect of sequence changes on RNA splicing suggest that this variant may disrupt the consensus splice site. For these reasons, this variant has been classified as Pathogenic.

MGZ Medical Genetics Center
Classification: Likely pathogenic for Neurofibromatosis, type 1. Last evaluated: 2022-08-25. Review status: criteria provided, single submitter. Criteria: ACMG Guidelines, 2015. Collection method: clinical testing. Allele origin: germline. Affected: yes. Observed: 1 variant allele.
Comment: ACMG criteria applied: PVS1, PM2_SUP

Genome-Nilou Lab
Classification: Pathogenic for Neurofibromatosis, type 1. Last evaluated: 2022-03-15. Review status: criteria provided, single submitter. Criteria: ACMG Guidelines, 2015. Collection method: clinical testing. Allele origin: germline. Affected: no.

Ambry Genetics
Classification: Pathogenic for Hereditary cancer-predisposing syndrome. Last evaluated: 2014-08-22. Review status: criteria provided, single submitter. Criteria: Ambry Autosomal Dominant and X-Linked criteria (10/2015). Collection method: clinical testing. Allele origin: germline. Observed: 1 variant allele.
Comment: The c.3870+1G>A pathogenic mutation results from a G to A substitution one nucleotide after exon 28 of the NF1 gene. A pathogenic mutation, c.3870+1G>T,<span data-redactor="verified" style="background-color: initial;">which occurs at the same position as<span data-redactor="verified" style="background-color: initial;">c.3870+1G>A,<span data-redactor="verified" style="background-color: initial;">has been seen in one individual with<span data-redactor="verified" style="background-color: initial;">cafe au lait spots, greater than fifty neurofibromas, freckling, lisch nodules, and leg plexiform neurofibromas (<span data-redactor="verified" style="background-color: initial;">Serra E et al. Nat Genet.2001;28(3):294-6).<span data-redactor="verified" style="background-color: initial;">In addition to the clinical data presented in the literature, since alterations that disrupt the canonical splice donor site are typically deleterious in nature, this alteration is interpreted as a disease-causing mutation (ACMG Recommendations for Standards for Interpretation and Reporting of Sequence Variations. Revision 2007. Genet Med. 2008;10:294).

Literature cited by the submitters: PubMed 16199547 (cited by Labcorp Genetics (formerly Invitae), Labcorp); PubMed 10712197 (cited by Labcorp Genetics (formerly Invitae), Labcorp); PubMed 23913538 (cited by Labcorp Genetics (formerly Invitae), Labcorp); PubMed 11115850 (cited by Labcorp Genetics (formerly Invitae), Labcorp); PubMed 11431704 (cited by Labcorp Genetics (formerly Invitae), Labcorp and Ambry Genetics).

NM_001042492.3(NF1):c.3870+1G>A

Gene: NF1 (neurofibromin 1; plus strand). Cytogenetic location: 17q11.2.
Variant type: single nucleotide variant.
Coding change: c.3870+1G>A on transcript NM_001042492.3 (MANE Select); the canonical splice donor site of the intron after coding-DNA position 3870, G replaced by A.
Molecular consequence: splice donor variant.
Genome position (GRCh38, 1-based): chr17:31,235,773, G>A. VCF-style: chr17-31235773-G-A. GRCh37 (hg19) VCF-style: chr17-29562791-G-A.
Other names: c.3870+1G>A (NM_000267.4).
Identifiers: ClinVar variation 428951 (VCV000428951.15), dbSNP rs1131691075, ClinGen allele CA398992939.